The following is an entry in ClinVar:

NM_007103.4(NDUFV1):c.1213_1234del (p.Arg405fs)

Genes: NDUFV1 (NADH:ubiquinone oxidoreductase core subunit V1; plus strand), LOC126861242 (CDK7 strongly-dependent group 2 enhancer GRCh37_chr11:67379204-67380403; plus strand). Cytogenetic location: 11q13.2.
Variant type: Deletion.
Coding change: c.1213_1234del on transcript NM_007103.4 (MANE Select); coding-DNA positions 1213 to 1234, 22 bases deleted (CGGCCGGCCGAGATCGACTCCC).
Protein change: p.Arg405fs; shifts the reading frame from arginine 405.
Molecular consequence: frameshift variant.
Genome position (GRCh38, 1-based): chr11:67,612,170-67,612,191, CGGCCGGCCGAGATCGACTCCC deleted; deleting any 22 consecutive bases within chr11:67,612,168-67,612,191 gives the same sequence; the c. name uses the placement nearest the transcript's 3' end. VCF-style (leftmost placement, unchanged base first): chr11-67612167-GCCCGGCCGGCCGAGATCGACTC-G. GRCh37 (hg19) VCF-style: chr11-67379638-GCCCGGCCGGCCGAGATCGACTC-G.
Other names: c.1186_1207del, p.Arg396fs (NM_001166102.2); short protein forms R405fs, R396fs.
Identifiers: ClinVar variation 2585065 (VCV002585065.1), dbSNP rs2495726667, ClinGen allele CA2582341877.
Genomic context (GRCh38, chr11:67,612,167, plus strand): 5'-GCTGTGGCTGCAGGTGTGGACTGGATGAACAAGGTGATGGCACGTTTCGTGAGGGGGGAT[GCCCGGCCGGCCGAGATCGACTC>G]CCTGTGGGAGATCAGCAAGCAGATAGAAGGCCATACGATTTGTGCTCTGGGTGACGGGGC-3'

ClinVar aggregate classification (germline): Likely pathogenic (1 of 4 stars; one submission).

Conditions:
Mitochondrial complex I deficiency, nuclear type 4. Also called: Mitochondrial complex 1 deficiency, nuclear type 4. Identifiers: MedGen C4748753, MONDO:0032609, OMIM 618225.

Submission:

Neuberg Centre For Genomic Medicine, NCGM
Classification: Likely pathogenic for Mitochondrial complex I deficiency, nuclear type 4. Review status: criteria provided, single submitter. Criteria: ACMG Guidelines, 2015. Collection method: clinical testing. Allele origin: germline. Inheritance: Autosomal recessive inheritance. Affected: yes.
Comment: The frameshift variant c.1213_1234del(p.Arg405CysfsTer8) in NDUFV1 gene has not been reported previously as a pathogenic variant nor as a benign variant, to our knowledge. The p.Arg405CysfsTer8 variant is novel (not in any individuals) in gnomAD Exomes and 1000 Genomes. This variant has not been reported to the ClinVar database. This variant causes a frameshift starting with codon Arginine 405, changes this amino acid to Cysteine residue, and creates a premature Stop codon at position 8 of the new reading frame, denoted p.Arg405CysfsTer8. Loss of function variants have been previously reported to be disease causing. However since this variant is present in the penultimate exon functional studies will be required to prove protein truncation. Hence, the variant is classified as Uncertain Significance (VUS). In the absence of another variant in NDUFV1 gene, the molecular diagnosis can not be confirmed.